The following is an entry in ClinVar:

ClinVar aggregate classification (germline): Uncertain significance (1 of 4 stars; one submission).

Submission:

GeneDx
Classification: Uncertain significance. Last evaluated: 2022-01-21. Review status: criteria provided, single submitter. Criteria: GeneDx Variant Classification Process June 2021. Collection method: clinical testing. Allele origin: germline. Affected: yes.
Comment: Not observed at significant frequency in large population cohorts (gnomAD); In silico analysis supports that this missense variant does not alter protein structure/function; Has not been previously published as pathogenic or benign to our knowledge

NM_003179.3(SYP):c.46G>C (p.Gly16Arg)

Genes: SYP (synaptophysin; minus strand), SYP-AS1 (SYP antisense RNA 1; plus strand). Cytogenetic location: Xp11.23.
Variant type: single nucleotide variant.
Coding change: c.46G>C on transcript NM_003179.3 (MANE Select); coding-DNA position 46, G replaced by C.
Protein change: p.Gly16Arg; replaces glycine 16 with arginine.
Molecular consequence: missense variant. On other transcripts: non-coding transcript variant (1).
Genome position (GRCh38, 1-based): chrX:49,199,024, C>G on the plus strand (G>C on the coding strand, the complement: SYP is on the minus strand). VCF-style: chrX-49199024-C-G. GRCh37 (hg19) VCF-style: chrX-49055483-C-G.
Other names: short protein forms G16R.
Identifiers: ClinVar variation 1698293 (VCV001698293.2), dbSNP rs2147884814, ClinGen allele CA412954886.